The following is an entry in ClinVar:

NM_000059.4(BRCA2):c.2477A>G (p.Glu826Gly)

Gene: BRCA2 (BRCA2 DNA repair associated; plus strand). Cytogenetic location: 13q13.1.
Variant type: single nucleotide variant.
Coding change: c.2477A>G on transcript NM_000059.4 (MANE Select); coding-DNA position 2477, A replaced by G.
Protein change: p.Glu826Gly; replaces glutamic acid 826 with glycine.
Molecular consequence: missense variant.
Genome position (GRCh38, 1-based): chr13:32,336,832, A>G. VCF-style: chr13-32336832-A-G. GRCh37 (hg19) VCF-style: chr13-32910969-A-G.
Other names: short protein forms E826G.
Identifiers: ClinVar variation 821336 (VCV000821336.10), dbSNP rs1214763097, ClinGen allele CA387772376.

ClinVar aggregate classification (germline): Conflicting classifications of pathogenicity. Review status: criteria provided, conflicting classifications (1 of 4 stars). 4 submissions from 4 submitters: Uncertain significance (3); Likely benign (1). Last evaluated 2025-07-23.

Conditions:
Hereditary breast ovarian cancer syndrome. Also called: Hereditary breast and/or ovarian cancer syndrome; BRCA1- and BRCA2-Associated Hereditary Breast and Ovarian Cancer; Hereditary breast and ovarian cancer syndrome; Hereditary breast and ovarian cancer; Hereditary breast and ovarian cancer syndrome (HBOC); Breast and ovarian cancer. Identifiers: Orphanet 145, MedGen C0677776, MeSH D061325, MONDO:0003582. Disease mechanism: loss of function.
Hereditary cancer-predisposing syndrome. Also called: Neoplastic Syndromes, Hereditary; Tumor predisposition; Hereditary Cancer Syndrome; Hereditary neoplastic syndrome. Identifiers: Orphanet 140162, MedGen C0027672, MeSH D009386, MONDO:0015356.

Submissions (4):

Color Diagnostics, LLC DBA Color Health
Classification: Uncertain significance for Hereditary cancer-predisposing syndrome. Last evaluated: 2025-07-23. Review status: criteria provided, single submitter. Criteria: ACMG Guidelines, 2015. Collection method: clinical testing. Allele origin: germline.
Comment: This missense variant replaces glutamic acid with glycine at codon 826 of the BRCA2 protein. Computational prediction suggests that this variant may not impact protein structure and function. To our knowledge, functional studies have not been reported for this variant. This variant has been detected in a breast cancer case-control meta-analysis in 0/60466 cases and 1/53461 unaffected individuals (PMID: 33471991Leiden Open Variation Database DB-ID BRCA2_000657), and this variant also has been reported in a suspected hereditary breast and ovarian cancer family (PMID: 21120943). This variant has not been identified in the general population by the Genome Aggregation Database (gnomAD). The available evidence is insufficient to determine the role of this variant in disease conclusively. Therefore, this variant is classified as a Variant of Uncertain Significance.

Labcorp Genetics (formerly Invitae), Labcorp
Classification: Uncertain significance for Hereditary breast ovarian cancer syndrome. Last evaluated: 2024-02-19. Review status: criteria provided, single submitter. Criteria: Invitae Variant Classification Sherloc (09022015). Collection method: clinical testing. Allele origin: germline.
Comment: This sequence change replaces glutamic acid, which is acidic and polar, with glycine, which is neutral and non-polar, at codon 826 of the BRCA2 protein (p.Glu826Gly). This variant is not present in population databases (gnomAD no frequency). This missense change has been observed in individual(s) with BRCA2-related conditions (PMID: 21120943). ClinVar contains an entry for this variant (Variation ID: 821336). Advanced modeling of protein sequence and biophysical properties (such as structural, functional, and spatial information, amino acid conservation, physicochemical variation, residue mobility, and thermodynamic stability) performed at Invitae indicates that this missense variant is not expected to disrupt BRCA2 protein function with a negative predictive value of 95%. In summary, the available evidence is currently insufficient to determine the role of this variant in disease. Therefore, it has been classified as a Variant of Uncertain Significance.

University of Washington Department of Laboratory Medicine, University of Washington
Classification: Likely benign for Hereditary cancer-predisposing syndrome. Last evaluated: 2023-03-23. Review status: criteria provided, single submitter. Criteria: Dines et al. (Genet Med. 2020). Collection method: curation. Allele origin: germline.
Comment: Missense variant in a coldspot region where missense variants are very unlikely to be pathogenic (PMID:31911673).

BRCA2 exon 11 coldspot. Reclassification based on statistical prior probability.

Ambry Genetics
Classification: Uncertain significance for Hereditary cancer-predisposing syndrome. Last evaluated: 2019-02-12. Review status: criteria provided, single submitter. Criteria: Ambry Variant Classification Scheme 2023. Collection method: clinical testing. Allele origin: germline.
Comment: The p.E826G variant (also known as c.2477A>G), located in coding exon 10 of the BRCA2 gene, results from an A to G substitution at nucleotide position 2477. The glutamic acid at codon 826 is replaced by glycine, an amino acid with similar properties. This amino acid position is well conserved in available vertebrate species. In addition, this alteration is predicted to be tolerated by in silico analysis. Since supporting evidence is limited at this time, the clinical significance of this alteration remains unclear.

Literature cited by the submitters: PubMed 21120943 (cited by Color Diagnostics, LLC DBA Color Health and Labcorp Genetics (formerly Invitae), Labcorp); PubMed 33471991 (cited by Color Diagnostics, LLC DBA Color Health).